The following is an entry in ClinVar:

NM_022455.5(NSD1):c.6750G>T (p.Met2250Ile)

Gene: NSD1 (nuclear receptor binding SET domain protein 1; plus strand). Cytogenetic location: 5q35.3.
Variant type: single nucleotide variant.
Coding change: c.6750G>T on transcript NM_022455.5 (MANE Select); coding-DNA position 6750, G replaced by T.
Protein change: p.Met2250Ile; replaces methionine 2250 with isoleucine.
Molecular consequence: missense variant.
Genome position (GRCh38, 1-based): chr5:177,294,118, G>T. VCF-style: chr5-177294118-G-T. GRCh37 (hg19) VCF-style: chr5-176721119-G-T.
Other names: c.5877G>T, p.Met1959Ile (NM_001365684.2, NM_001409308.1, NM_172349.5); c.6750G>T, p.Met2250Ile (NM_001409301.1, NM_001409302.1, NM_001409303.1); c.6330G>T, p.Met2110Ile (NM_001409304.1); c.5997G>T, p.Met1999Ile (NM_001409305.1); c.5988G>T, p.Met1996Ile (NM_001409306.1, NM_001409307.1); c.5628G>T, p.Met1876Ile (NM_001409309.1); short protein forms M1959I, M1996I, M1999I, M2110I, M2250I, M1876I.
Identifiers: ClinVar variation 3375359 (VCV003375359.1).

ClinVar aggregate classification (germline): Likely benign (1 of 4 stars; one submission).

gnomAD v4.1: 3 of 1,614,012 alleles (0.00019%); highest among the groups gnomAD compares: South Asian, 0.0022%; no homozygotes.

Submission:

Women's Health and Genetics/Laboratory Corporation of America, LabCorp
Classification: Likely benign. Last evaluated: 2024-09-20. Review status: criteria provided, single submitter. Criteria: LabCorp Variant Classification Summary - May 2015. Collection method: clinical testing. Allele origin: germline.
Comment: Variant summary: NSD1 c.6750G>T (p.Met2250Ile) results in a conservative amino acid change in the encoded protein sequence. Five of five in-silico tools predict a benign effect of the variant on protein function. The variant allele was found at a frequency of 1.9e-06 in 1607038 control chromosomes in the gnomAD database (v4.1 dataset). However, a different variant affecting the same nucleotide and resulting in the same amino acid change (c.6750G>A / p.Met2250Ile), is reported with ~5% allele frequency (including ~2500 homozygotes). To our knowledge, no occurrence of c.6750G>T in individuals affected with Sotos Syndrome and no experimental evidence demonstrating its impact on protein function have been reported. No submitters have cited clinical-significance assessments for this variant to ClinVar. Based on the evidence outlined above, the variant was classified as likely benign.